The following is an entry in ClinVar:

ClinVar aggregate classification (germline): Likely pathogenic (1 of 4 stars; one submission).

Conditions:
COG5-congenital disorder of glycosylation. Also called: COG5-CDG; CDG IIi; CONGENITAL DISORDER OF GLYCOSYLATION, TYPE IIi. Identifiers: Orphanet 263487, MedGen C3150876, MONDO:0013325, OMIM 613612.

Allele frequency attached by ClinVar (database versions not stated): gnomAD exomes below 0.00001; gnomAD 0.00001; TOPMed 0.00001.
gnomAD v4.1: 4 of 1,565,538 alleles (0.00026%); highest among the groups gnomAD compares: Non-Finnish European, 0.00035%; no homozygotes.

Submission:

Labcorp Genetics (formerly Invitae), Labcorp
Classification: Likely pathogenic for COG5-congenital disorder of glycosylation. Last evaluated: 2023-09-03. Review status: criteria provided, single submitter. Criteria: Invitae Variant Classification Sherloc (09022015). Collection method: clinical testing. Allele origin: germline.
Comment: In summary, the currently available evidence indicates that the variant is pathogenic, but additional data are needed to prove that conclusively. Therefore, this variant has been classified as Likely Pathogenic. Algorithms developed to predict the effect of sequence changes on RNA splicing suggest that this variant may disrupt the consensus splice site. ClinVar contains an entry for this variant (Variation ID: 1478341). This variant has not been reported in the literature in individuals affected with COG5-related conditions. This variant is present in population databases (no rsID available, gnomAD 0.002%). This sequence change affects a donor splice site in intron 15 of the COG5 gene. It is expected to disrupt RNA splicing. Variants that disrupt the donor or acceptor splice site typically lead to a loss of protein function (PMID: 16199547), and loss-of-function variants in COG5 are known to be pathogenic (PMID: 23228021).

Literature cited by the submitters: PubMed 16199547; PubMed 23228021.

NM_006348.5(COG5):c.1686+1G>A

Genes: COG5 (component of oligomeric golgi complex 5; minus strand), LOC129389837 (MPRA-validated peak6677 silencer; plus strand). Cytogenetic location: 7q22.3.
Variant type: single nucleotide variant.
Coding change: c.1686+1G>A on transcript NM_006348.5 (MANE Select); the canonical splice donor site of the intron after coding-DNA position 1686, G replaced by A.
Molecular consequence: splice donor variant. On other transcripts: intron variant (1).
Genome position (GRCh38, 1-based): chr7:107,258,272, C>T on the plus strand (G>A on the coding strand, the complement: COG5 is on the minus strand). VCF-style: chr7-107258272-C-T. GRCh37 (hg19) VCF-style: chr7-106898717-C-T.
Other names: c.972+1G>A (NM_001379516.1); c.1116+1G>A (NM_001379515.1); c.1524+1G>A (NM_001379511.1); c.1576-9773G>A (NM_001379512.1); c.1686+1G>A (NM_181733.4, NM_001379514.1, NM_001379513.1 and 1 more transcripts).
Identifiers: ClinVar variation 1478341 (VCV001478341.6), dbSNP rs1186590801, ClinGen allele CA368940857.
Genomic context (GRCh38, chr7:107,258,272, plus strand): 5'-TCCAAATTTGAGGCAAGAAGAATTTAAAATTAAGTAAAAAAAAACTTAATAAAATAGTTA[C>T]CTTTGTTACTGATTGGTGCAACTTATACAATGAATTCACTACTGCCACATTTCTTCTCTG-3'